The following is an entry in ClinVar:

NM_000245.4(MET):c.1015G>A (p.Asp339Asn)

Gene: MET (MET proto-oncogene, receptor tyrosine kinase; plus strand). Cytogenetic location: 7q31.2.
Variant type: single nucleotide variant.
Coding change: c.1015G>A on transcript NM_000245.4 (MANE Select); coding-DNA position 1015, G replaced by A.
Protein change: p.Asp339Asn; replaces aspartic acid 339 with asparagine.
Molecular consequence: missense variant. On other transcripts: intron variant (1).
Genome position (GRCh38, 1-based): chr7:116,700,099, G>A. VCF-style: chr7-116700099-G-A. GRCh37 (hg19) VCF-style: chr7-116340153-G-A.
Other names: c.1015G>A, p.Asp339Asn (NM_001127500.3, NM_001324401.3); c.-91+27522G>A (NM_001324402.2); short protein forms D339N.
Identifiers: ClinVar variation 454173 (VCV000454173.14), dbSNP rs1463245808, ClinGen allele CA368970354.

ClinVar aggregate classification (germline): Conflicting classifications of pathogenicity. Review status: criteria provided, conflicting classifications (1 of 4 stars). 3 submissions from 3 submitters: Uncertain significance (2); Likely benign (1). Last evaluated 2025-06-08.

Conditions:
Renal cell carcinoma. Identifiers: Orphanet 217071, MedGen C0007134, MeSH D002292, MONDO:0005086, HP:0005584.
Hereditary cancer-predisposing syndrome. Also called: Hereditary Cancer Syndrome; Hereditary neoplastic syndrome; Neoplastic Syndromes, Hereditary; Tumor predisposition. Identifiers: Orphanet 140162, MedGen C0027672, MeSH D009386, MONDO:0015356.

Allele frequency attached by ClinVar (database versions not stated): gnomAD exomes below 0.00001.
gnomAD v4.1: 2 of 1,610,656 alleles (0.00012%); highest among the groups gnomAD compares: Non-Finnish European, 0.00017%; no homozygotes.

Submissions (3):

Labcorp Genetics (formerly Invitae), Labcorp
Classification: Uncertain significance for Renal cell carcinoma. Last evaluated: 2025-06-08. Review status: criteria provided, single submitter. Criteria: Invitae Variant Classification Sherloc (09022015). Collection method: clinical testing. Allele origin: germline.
Comment: This sequence change replaces aspartic acid, which is acidic and polar, with asparagine, which is neutral and polar, at codon 339 of the MET protein (p.Asp339Asn). This variant is present in population databases (no rsID available, gnomAD 0.0009%). This variant has not been reported in the literature in individuals affected with MET-related conditions. ClinVar contains an entry for this variant (Variation ID: 454173). Invitae Evidence Modeling of protein sequence and biophysical properties (such as structural, functional, and spatial information, amino acid conservation, physicochemical variation, residue mobility, and thermodynamic stability) has been performed for this missense variant. However, the output from this modeling did not meet the statistical confidence thresholds required to predict the impact of this variant on MET protein function. In summary, the available evidence is currently insufficient to determine the role of this variant in disease. Therefore, it has been classified as a Variant of Uncertain Significance.

Ambry Genetics
Classification: Likely benign for Hereditary cancer-predisposing syndrome. Last evaluated: 2024-10-15. Review status: criteria provided, single submitter. Criteria: Ambry Variant Classification Scheme 2023. Collection method: clinical testing. Allele origin: germline.

Breakthrough Genomics
Classification: Uncertain significance. Review status: criteria provided, single submitter. Criteria: ACMG Guidelines, 2015. Collection method: not provided. Allele origin: germline. Inheritance: Autosomal recessive inheritance. Affected: yes.